The following is an entry in ClinVar:

NM_014956.5(CEP164):c.127G>C (p.Glu43Gln)

Gene: CEP164 (centrosomal protein 164; plus strand). Cytogenetic location: 11q23.3.
Variant type: single nucleotide variant.
Coding change: c.127G>C on transcript NM_014956.5 (MANE Select); coding-DNA position 127, G replaced by C.
Protein change: p.Glu43Gln; replaces glutamic acid 43 with glutamine.
Molecular consequence: missense variant.
Genome position (GRCh38, 1-based): chr11:117,344,210, G>C. VCF-style: chr11-117344210-G-C. GRCh37 (hg19) VCF-style: chr11-117214926-G-C.
Other names: c.127G>C, p.Glu43Gln (NM_001271933.2); short protein forms E43Q.
Identifiers: ClinVar variation 1008905 (VCV001008905.8), dbSNP rs2038553739, ClinGen allele CA382722023.

ClinVar aggregate classification (germline): Uncertain significance (1 of 4 stars; one submission).

Conditions:
Nephronophthisis 15 (NPHP15). Identifiers: Orphanet 3156, MedGen C3541853, MONDO:0013917, OMIM 614845.

Submission:

Labcorp Genetics (formerly Invitae), Labcorp
Classification: Uncertain significance for Nephronophthisis 15. Last evaluated: 2024-10-16. Review status: criteria provided, single submitter. Criteria: Invitae Variant Classification Sherloc (09022015). Collection method: clinical testing. Allele origin: germline.
Comment: This sequence change replaces glutamic acid, which is acidic and polar, with glutamine, which is neutral and polar, at codon 43 of the CEP164 protein (p.Glu43Gln). This variant is not present in population databases (gnomAD no frequency). This variant has not been reported in the literature in individuals affected with CEP164-related conditions. ClinVar contains an entry for this variant (Variation ID: 1008905). An algorithm developed to predict the effect of missense changes on protein structure and function (PolyPhen-2) suggests that this variant is likely to be disruptive. In summary, the available evidence is currently insufficient to determine the role of this variant in disease. Therefore, it has been classified as a Variant of Uncertain Significance.